The following is an entry in ClinVar:

ClinVar aggregate classification (germline): Uncertain significance (1 of 4 stars; one submission).

Allele frequency attached by ClinVar (database versions not stated): gnomAD 0.00001.

Submission:

Labcorp Genetics (formerly Invitae), Labcorp
Classification: Uncertain significance. Last evaluated: 2022-10-13. Review status: criteria provided, single submitter. Criteria: Invitae Variant Classification Sherloc (09022015). Collection method: clinical testing. Allele origin: germline.
Comment: This sequence change replaces arginine, which is basic and polar, with glutamine, which is neutral and polar, at codon 40 of the EARS2 protein (p.Arg40Gln). This variant is not present in population databases (gnomAD no frequency). This variant has not been reported in the literature in individuals affected with EARS2-related conditions. Advanced modeling of protein sequence and biophysical properties (such as structural, functional, and spatial information, amino acid conservation, physicochemical variation, residue mobility, and thermodynamic stability) performed at Invitae indicates that this missense variant is expected to disrupt EARS2 protein function. In summary, the available evidence is currently insufficient to determine the role of this variant in disease. Therefore, it has been classified as a Variant of Uncertain Significance.

NM_001083614.2(EARS2):c.119G>A (p.Arg40Gln)

Genes: EARS2 (glutamyl-tRNA synthetase 2, mitochondrial; minus strand), LOC130058664 (ATAC-STARR-seq lymphoblastoid active region 10583; plus strand). Cytogenetic location: 16p12.2.
Variant type: single nucleotide variant.
Coding change: c.119G>A on transcript NM_001083614.2 (MANE Select); coding-DNA position 119, G replaced by A.
Protein change: p.Arg40Gln; replaces arginine 40 with glutamine.
Molecular consequence: missense variant. On other transcripts: non-coding transcript variant (1).
Genome position (GRCh38, 1-based): chr16:23,557,225, C>T on the plus strand (G>A on the coding strand, the complement: EARS2 is on the minus strand). VCF-style: chr16-23557225-C-T. GRCh37 (hg19) VCF-style: chr16-23568546-C-T.
Other names: c.119G>A, p.Arg40Gln (NM_001308211.1); short protein forms R40Q.
Identifiers: ClinVar variation 2415375 (VCV002415375.2), dbSNP rs1024366404, ClinGen allele CA395142364.